The following is an entry in ClinVar:

ClinVar aggregate classification (germline): Uncertain significance (1 of 4 stars; one submission).

Conditions:
Charcot-Marie-Tooth disease type 2R. Also called: CHARCOT-MARIE-TOOTH NEUROPATHY, TYPE 2R; CHARCOT-MARIE-TOOTH DISEASE, AXONAL, AUTOSOMAL RECESSIVE, TYPE 2R; Charcot-Marie-Tooth disease, axonal, type 2R. Identifiers: Orphanet 397968, MedGen C3809655, MONDO:0014208, OMIM 615490.

Allele frequency attached by ClinVar (database versions not stated): gnomAD exomes below 0.00001.
gnomAD v4.1: 4 of 1,614,152 alleles (0.00025%); highest among the groups gnomAD compares: Non-Finnish European, 0.00034%; no homozygotes.

Submission:

Labcorp Genetics (formerly Invitae), Labcorp
Classification: Uncertain significance for Charcot-Marie-Tooth disease type 2R. Last evaluated: 2024-07-01. Review status: criteria provided, single submitter. Criteria: Invitae Variant Classification Sherloc (09022015). Collection method: clinical testing. Allele origin: germline.
Comment: This sequence change replaces aspartic acid, which is acidic and polar, with tyrosine, which is neutral and polar, at codon 203 of the TRIM2 protein (p.Asp203Tyr). This variant is not present in population databases (gnomAD no frequency). This variant has not been reported in the literature in individuals affected with TRIM2-related conditions. ClinVar contains an entry for this variant (Variation ID: 568762). An algorithm developed to predict the effect of missense changes on protein structure and function (PolyPhen-2) suggests that this variant is likely to be tolerated. In summary, the available evidence is currently insufficient to determine the role of this variant in disease. Therefore, it has been classified as a Variant of Uncertain Significance.

NM_015271.5(TRIM2):c.688G>T (p.Asp230Tyr)

Gene: TRIM2 (tripartite motif containing 2; plus strand). Cytogenetic location: 4q31.3.
Variant type: single nucleotide variant.
Coding change: c.688G>T on transcript NM_015271.5 (MANE Select); coding-DNA position 688, G replaced by T.
Protein change: p.Asp230Tyr; replaces aspartic acid 230 with tyrosine.
Molecular consequence: missense variant.
Genome position (GRCh38, 1-based): chr4:153,294,387, G>T. VCF-style: chr4-153294387-G-T. GRCh37 (hg19) VCF-style: chr4-154215539-G-T.
Other names: c.607G>T, p.Asp203Tyr (NM_001130067.2, NM_001351056.2); c.661G>T, p.Asp221Tyr (NM_001351054.2); c.658G>T, p.Asp220Tyr (NM_001351055.2); c.232G>T, p.Asp78Tyr (NM_001351057.2); short protein forms D203Y, D220Y, D78Y, D221Y, D230Y.
Identifiers: ClinVar variation 568762 (VCV000568762.8), dbSNP rs1560963959, ClinGen allele CA358472032.